The following is an entry in ClinVar:

ClinVar aggregate classification (germline): Pathogenic. Review status: reviewed by expert panel (3 of 4 stars). 4 submissions from 4 submitters: Pathogenic (1). 3 of the submissions do not count toward it. Last evaluated 2016-09-08.

Conditions:
Hereditary breast ovarian cancer syndrome. Also called: Breast and ovarian cancer; Hereditary breast and/or ovarian cancer syndrome; Hereditary breast and ovarian cancer; Hereditary breast and ovarian cancer syndrome; Hereditary breast and ovarian cancer syndrome (HBOC); BRCA1- and BRCA2-Associated Hereditary Breast and Ovarian Cancer. Identifiers: Orphanet 145, MedGen C0677776, MeSH D061325, MONDO:0003582. Disease mechanism: loss of function.
Breast-ovarian cancer, familial, susceptibility to, 2 (BROVCA2). Also called: BRCA2 Hereditary Breast and Ovarian Cancer. Identifiers: Orphanet 145, MedGen C2675520, MONDO:0012933, OMIM 612555. Disease mechanism: loss of function.

Allele frequency attached by ClinVar (database versions not stated): gnomAD exomes below 0.00001.

Submissions (4):

Evidence-based Network for the Interpretation of Germline Mutant Alleles (ENIGMA)
Classification: Pathogenic for Breast-ovarian cancer, familial, susceptibility to, 2. Last evaluated: 2016-09-08. Review status: reviewed by expert panel. Criteria: ENIGMA BRCA1/2 Classification Criteria (2015). Collection method: curation. Allele origin: germline.
Comment: Variant allele predicted to encode a truncated non-functional protein.

Laboratory for Molecular Medicine, Mass General Brigham Personalized Medicine
Classification: Likely pathogenic for Hereditary breast ovarian cancer syndrome. Last evaluated: 2019-10-14. Review status: criteria provided, single submitter. Criteria: ACMG Guidelines, 2015. Collection method: clinical testing. Allele origin: germline. Not counted in ClinVar's aggregate classification.
Comment: The p.Ser2201LeufsX5 variant in BRCA2 has not been previously reported in individuals with hereditary breast and/or ovarian cancer (HBOC) and was absent from large population studies, but has been reported in ClinVar (Variation ID: 96839). This variant is predicted to cause a frameshift, which alters the protein’s amino acid sequence beginning at position 2201 and leads to a premature termination codon 5 amino acids downstream. This alteration is then predicted to lead to a truncated or absent protein. Loss of function of the BRCA2 gene is an established disease mechanism in autosomal dominant HBOC. In summary, although additional studies are required to fully establish its clinical significance, this variant meets criteria to be classified as likely pathogenic for autosomal dominant HBOC. ACMG/AMP Criteria applied: PVS1, PM2.

Consortium of Investigators of Modifiers of BRCA1/2 (CIMBA), c/o University of Cambridge
Classification: Pathogenic for Breast-ovarian cancer, familial, susceptibility to, 2. Last evaluated: 2015-10-02. Review status: criteria provided, single submitter. Criteria: CIMBA Mutation Classification guidelines May 2016. Collection method: clinical testing. Allele origin: germline. Not counted in ClinVar's aggregate classification.

Sharing Clinical Reports Project (SCRP)
Classification: Pathogenic for Breast-ovarian cancer, familial 2. Last evaluated: 2012-06-14. Review status: no assertion criteria provided. Collection method: clinical testing. Allele origin: germline. Not counted in ClinVar's aggregate classification.

NM_000059.4(BRCA2):c.6602del (p.Ser2201fs)

Gene: BRCA2 (BRCA2 DNA repair associated; plus strand). Cytogenetic location: 13q13.1.
Variant type: Deletion.
Coding change: c.6602del on transcript NM_000059.4 (MANE Select); coding-DNA position 6602, one base deleted (C; older notation c.6602delC).
Protein change: p.Ser2201fs; shifts the reading frame from serine 2201.
Molecular consequence: frameshift variant.
Genome position (GRCh38, 1-based): chr13:32,340,957, C deleted. VCF-style (leftmost placement, unchanged base first): chr13-32340956-TC-T. GRCh37 (hg19) VCF-style: chr13-32915093-TC-T.
Other names: 6830delC; c.6602delC (NM_000059.3).
Identifiers: ClinVar variation 96839 (VCV000096839.4), dbSNP rs431825343, ClinGen allele CA024203.
Genomic context (GRCh38, chr13:32,340,956, plus strand): 5'-GGAAAAGAACAGGCTTCACCTAAAAACGTAAAAATGGAAATTGGTAAAACTGAAACTTTT[TC>T]TGATGTTCCTGTGAAAACAAATATAGAAGTTTGTTCTACTTACTCCAAAGATTCAGAAAA-3'